The following is an entry in ClinVar:

ClinVar aggregate classification (germline): Likely benign. Review status: criteria provided, multiple submitters, no conflicts (2 of 4 stars). 4 submissions from 4 submitters: Likely benign (4). Last evaluated 2025-12-15.

Conditions:
Catecholaminergic polymorphic ventricular tachycardia (CVPT). Also called: Catecholamine-induced polymorphic ventricular tachycardia. Identifiers: Orphanet 3286, MedGen C5574922, MONDO:0017990.
Cardiovascular phenotype. Identifiers: MedGen CN230736.
Catecholaminergic polymorphic ventricular tachycardia 1. Also called: VENTRICULAR TACHYCARDIA, CATECHOLAMINERGIC POLYMORPHIC, 1, WITH OR WITHOUT ATRIAL DYSFUNCTION AND/OR DILATED CARDIOMYOPATHY; VENTRICULAR TACHYCARDIA, STRESS-INDUCED POLYMORPHIC 1; RYR2-Related Catecholaminergic Polymorphic Ventricular Tachycardia. Identifiers: Orphanet 3286, MedGen C1631597, MONDO:0011484, OMIM 604772.

Allele frequency attached by ClinVar (database versions not stated): ExAC 0.00001; gnomAD exomes 0.00001; gnomAD 0.00002; TOPMed 0.00002.
gnomAD v4.1: 15 of 1,613,518 alleles (0.00093%); highest among the groups gnomAD compares: East Asian, 0.0067%; no homozygotes.

Submissions (4):

Labcorp Genetics (formerly Invitae), Labcorp
Classification: Likely benign for Catecholaminergic polymorphic ventricular tachycardia 1. Last evaluated: 2025-12-15. Review status: criteria provided, single submitter. Criteria: Invitae Variant Classification Sherloc (09022015). Collection method: clinical testing. Allele origin: germline.

Ambry Genetics
Classification: Likely benign for Cardiovascular phenotype. Last evaluated: 2025-06-09. Review status: criteria provided, single submitter. Criteria: Ambry Variant Classification Scheme 2023. Collection method: clinical testing. Allele origin: germline.

Women's Health and Genetics/Laboratory Corporation of America, LabCorp
Classification: Likely benign. Last evaluated: 2025-05-22. Review status: criteria provided, single submitter. Criteria: LabCorp Variant Classification Summary - May 2015. Collection method: clinical testing. Allele origin: germline.

All of Us Research Program, National Institutes of Health
Classification: Likely benign for Catecholaminergic polymorphic ventricular tachycardia. Last evaluated: 2023-10-23. Review status: criteria provided, single submitter. Criteria: ACMG Guidelines, 2015. Collection method: clinical testing. Allele origin: germline. Inheritance: Autosomal dominant inheritance. Observed: 2 variant alleles, 2 heterozygotes.
Comment: This study involves interpretation of variants in research participants for the purpose of population health screening. Participant phenotype was not available at the time of variant classification. Additional details can be found in publication PMID: 35346344, PMCID: PMC8962531

NM_001035.3(RYR2):c.6234C>T (p.Pro2078=)

Gene: RYR2 (ryanodine receptor 2; plus strand). Cytogenetic location: 1q43.
Variant type: single nucleotide variant.
Coding change: c.6234C>T on transcript NM_001035.3 (MANE Select); coding-DNA position 6234, C replaced by T.
Protein change: p.Pro2078=; no amino-acid change (proline 2078 retained).
Molecular consequence: synonymous variant.
Genome position (GRCh38, 1-based): chr1:237,627,874, C>T. VCF-style: chr1-237627874-C-T. GRCh37 (hg19) VCF-style: chr1-237791174-C-T.
Identifiers: ClinVar variation 698708 (VCV000698708.14), dbSNP rs748063607, ClinGen allele CA087078.
Genomic context (GRCh38, chr1:237,627,874, plus strand): 5'-GCAGCAGCTGATTTCTGAGACCATGGTCCGATGGGCTCAGGAGTCTGTCATTGAAGACCC[C>T]GAGCTGGTGAGGGCCATGTTTGTGTTGCTCCATCGGCAGTATGACGGCATTGGGGGTCTT-3'
Protein context (NP_001026.2, residues 2068-2088): RWAQESVIED[Pro2078=]ELVRAMFVLL